The following is an entry in ClinVar:

ClinVar aggregate classification (germline): Pathogenic (1 of 4 stars; one submission).

Conditions:
LAMA2-related muscular dystrophy (LAMA2-RD). Also called: Laminin alpha 2-related dystrophy. Identifiers: MedGen C5679788, MONDO:0100228.

Submission:

Myriad Genetics, Inc.
Classification: Pathogenic for LAMA2-related muscular dystrophy. Last evaluated: 2024-08-26. Review status: criteria provided, single submitter. Criteria: Myriad Autosomal Dominant, Autosomal Recessive and X-Linked Classification Criteria (2023). Collection method: clinical testing. Allele origin: unknown.
Comment: NM_000426.3(LAMA2):c.4941delG(M1647Ifs*5) is expected to be pathogenic in the context of muscular dystrophy, LAMA2-related. This variant is predicted to lead to an abnormal or absent protein product due to the creation of a premature termination codon in LAMA2, a gene where loss-of-function variants are known to be pathogenic. Please note: this variant was assessed in the context of healthy population screening.

NM_000426.4(LAMA2):c.4941del (p.Met1647fs)

Gene: LAMA2 (laminin subunit alpha 2; plus strand). Cytogenetic location: 6q22.33.
Variant type: Deletion.
Coding change: c.4941del on transcript NM_000426.4 (MANE Select); coding-DNA position 4941, one base deleted (G; older notation c.4941delG).
Protein change: p.Met1647fs; shifts the reading frame from methionine 1647.
Molecular consequence: frameshift variant.
Genome position (GRCh38, 1-based): chr6:129,369,972, G deleted. VCF-style (leftmost placement, unchanged base first): chr6-129369971-TG-T. GRCh37 (hg19) VCF-style: chr6-129691116-TG-T.
Other names: c.4941del, p.Met1647fs (NM_001079823.2); short protein forms M1647fs.
Identifiers: ClinVar variation 5015008 (VCV005015008.1).